The following is an entry in ClinVar:

ClinVar aggregate classification (germline): Likely pathogenic (1 of 4 stars; one submission).

Conditions:
Hereditary cancer-predisposing syndrome. Also called: Neoplastic Syndromes, Hereditary; Hereditary Cancer Syndrome; Hereditary neoplastic syndrome; Tumor predisposition. Identifiers: Orphanet 140162, MedGen C0027672, MeSH D009386, MONDO:0015356.

Submission:

Ambry Genetics
Classification: Likely pathogenic for Hereditary cancer-predisposing syndrome. Last evaluated: 2023-06-12. Review status: criteria provided, single submitter. Criteria: Ambry Variant Classification Scheme 2023. Collection method: clinical testing. Allele origin: germline.
Comment: The c.238-2A>G intronic variant results from an A to G substitution two nucleotides upstream from coding exon 5 in the SMARCE1 gene. This nucleotide position is highly conserved in available vertebrate species. In silico splice site analysis predicts that this alteration will weaken the native splice acceptor site and will result in the creation or strengthening of a novel splice acceptor site; however, direct evidence is insufficient at this time (Ambry internal data). This variant is considered to be rare based on population cohorts in the Genome Aggregation Database (gnomAD). Loss-of-function variants in SMARCE1 are known to cause increased risk of meningiomas; however, such associations with neurodevelopmental disorders are exceedingly rare (Kosho T et al. Am J Med Genet C Semin Med Genet. 2014 Sep;166C(3):262-75; Smith JM et al. Nat Genet. 2013 Mar;45(3):295-8). Based on the supporting evidence, this alteration is likely pathogenic for an increased risk of meningiomas; however, the association of this alteration with an increased risk Coffin-Siris syndrome is unknown.

NM_003079.5(SMARCE1):c.238-2A>G

Gene: SMARCE1 (SWI/SNF related BAF chromatin remodeling complex subunit E1; minus strand). Cytogenetic location: 17q21.2.
Variant type: single nucleotide variant.
Coding change: c.238-2A>G on transcript NM_003079.5 (MANE Select); the canonical splice acceptor site of the intron before coding-DNA position 238, A replaced by G.
Molecular consequence: splice acceptor variant.
Genome position (GRCh38, 1-based): chr17:40,636,528, T>C on the plus strand (A>G on the coding strand, the complement: SMARCE1 is on the minus strand). VCF-style: chr17-40636528-T-C. GRCh37 (hg19) VCF-style: chr17-38792780-T-C.
Identifiers: ClinVar variation 2564309 (VCV002564309.2), dbSNP rs2508604717, ClinGen allele CA399367625.